The following is an entry in ClinVar:

ClinVar aggregate classification (germline): Benign/Likely benign. Review status: criteria provided, multiple submitters, no conflicts (2 of 4 stars). 2 submissions from 2 submitters: Benign (1); Likely benign (1). Last evaluated 2026-01-20.

Conditions:
Duchenne muscular dystrophy (DMD). Also called: Duchenne Muscular Dystrophy (DMD); MUSCULAR DYSTROPHY, PSEUDOHYPERTROPHIC PROGRESSIVE, DUCHENNE TYPE. Identifiers: Orphanet 98896, MedGen C0013264, MONDO:0010679, OMIM 310200.

Allele frequency attached by ClinVar (database versions not stated): gnomAD exomes 0.00006 and 0.00001; TOPMed below 0.00001; gnomAD 0.00003 and 0.00004; ExAC 0.00004.
gnomAD v4.1: 11 of 1,126,075 alleles (0.00098%); highest among the groups gnomAD compares: East Asian, 0.03%; no homozygotes.

Submissions (2):

Labcorp Genetics (formerly Invitae), Labcorp
Classification: Benign for Duchenne muscular dystrophy. Last evaluated: 2026-01-20. Review status: criteria provided, single submitter. Criteria: Invitae Variant Classification Sherloc (09022015). Collection method: clinical testing. Allele origin: germline.

Laboratory for Molecular Medicine, Mass General Brigham Personalized Medicine
Classification: Likely benign. Last evaluated: 2017-03-30. Review status: criteria provided, single submitter. Criteria: LMM Criteria. Collection method: clinical testing. Allele origin: germline. Observed: 1 variant allele.
Comment: c.4234-12T>C in intron 30 of DMD: This variant is not expected to have clinical significance because a T>C change at this position does not diverge from the spl ice consensus sequence and is therefore unlikely to impact splicing. It has been identified in 3/6129 East Asian chromosomes, including 1 hemizygote, by the Exo me Aggregation Consortium (ExAC; dbSNP rs7578510 97).

NM_004006.3(DMD):c.4234-12T>C

Gene: DMD (dystrophin; minus strand). Cytogenetic location: Xp21.1.
Variant type: single nucleotide variant.
Coding change: c.4234-12T>C on transcript NM_004006.3 (MANE Select); 12 bases into the intron before coding-DNA position 4234, T replaced by C.
Molecular consequence: intron variant.
Genome position (GRCh38, 1-based): chrX:32,390,193, A>G on the plus strand (T>C on the coding strand, the complement: DMD is on the minus strand). VCF-style: chrX-32390193-A-G. GRCh37 (hg19) VCF-style: chrX-32408310-A-G.
Other names: c.4210-12T>C (NM_000109.4); c.211-12T>C (NM_004011.4); c.202-12T>C (NM_004012.4); c.4222-12T>C (NM_004009.3); c.3865-12T>C (NM_004010.3).
Identifiers: ClinVar variation 517355 (VCV000517355.12), dbSNP rs757851097, ClinGen allele CA10379004.